The following is an entry in ClinVar:

ClinVar aggregate classification (germline): Uncertain significance (1 of 4 stars; one submission).

Conditions:
Inborn genetic diseases. Identifiers: MedGen C0950123, MeSH D030342.
Ocular cystinosis. Also called: Non-Nephropathic Cystinosis; Non-Nephropathic (Ocular) Cystinosis. Identifiers: Orphanet 213, Orphanet 411641, MedGen C2931013, MONDO:0009064, OMIM 219750.
Juvenile nephropathic cystinosis. Also called: Intermediate Cystinosis; CYSTINOSIS, LATE-ONSET JUVENILE OR ADOLESCENT NEPHROPATHIC TYPE; Later-Onset (Juvenile) Cystinosis. Identifiers: Orphanet 213, Orphanet 411634, MedGen C0268626, MONDO:0009066, OMIM 219900.

Allele frequency attached by ClinVar (database versions not stated): gnomAD exomes below 0.00001; TOPMed below 0.00001.
gnomAD v4.1: 2 of 1,614,236 alleles (0.00012%); highest among the groups gnomAD compares: Non-Finnish European, 0.00017%; no homozygotes.

Submission:

Labcorp Genetics (formerly Invitae), Labcorp
Classification: Uncertain significance for Inborn genetic diseases; Ocular cystinosis; Juvenile nephropathic cystinosis. Last evaluated: 2022-01-06. Review status: criteria provided, single submitter. Criteria: Invitae Variant Classification Sherloc (09022015). Collection method: clinical testing. Allele origin: germline.
Comment: This sequence change replaces alanine, which is neutral and non-polar, with valine, which is neutral and non-polar, at codon 122 of the CTNS protein (p.Ala122Val). This variant is not present in population databases (gnomAD no frequency). This variant has not been reported in the literature in individuals affected with CTNS-related conditions. Advanced modeling of protein sequence and biophysical properties (such as structural, functional, and spatial information, amino acid conservation, physicochemical variation, residue mobility, and thermodynamic stability) performed at Invitae indicates that this missense variant is not expected to disrupt CTNS protein function. In summary, the available evidence is currently insufficient to determine the role of this variant in disease. Therefore, it has been classified as a Variant of Uncertain Significance.

NM_004937.3(CTNS):c.365C>T (p.Ala122Val)

Genes: CTNS (cystinosin, lysosomal cystine transporter; plus strand), CTNS-AS1 (CTNS antisense RNA 1; minus strand). Cytogenetic location: 17p13.2.
Variant type: single nucleotide variant.
Coding change: c.365C>T on transcript NM_004937.3 (MANE Select); coding-DNA position 365, C replaced by T.
Protein change: p.Ala122Val; replaces alanine 122 with valine.
Molecular consequence: missense variant. On other transcripts: 5 prime UTR variant (4).
Genome position (GRCh38, 1-based): chr17:3,655,256, C>T. VCF-style: chr17-3655256-C-T. GRCh37 (hg19) VCF-style: chr17-3558550-C-T.
Other names: c.365C>T, p.Ala122Val (NM_001031681.3, NM_001374492.1); c.-77C>T (NM_001374493.1, NM_001374494.1, NM_001374495.1 and 1 more transcripts); short protein forms A122V.
Identifiers: ClinVar variation 1404985 (VCV001404985.5), dbSNP rs2076099841, ClinGen allele CA397690645.